The following is an entry in ClinVar:

NM_032119.4(ADGRV1):c.2277T>A (p.Tyr759Ter)

Gene: ADGRV1 (adhesion G protein-coupled receptor V1; plus strand). Cytogenetic location: 5q14.3.
Variant type: single nucleotide variant.
Coding change: c.2277T>A on transcript NM_032119.4 (MANE Select); coding-DNA position 2277, T replaced by A.
Protein change: p.Tyr759Ter; replaces tyrosine 759 with a stop codon.
Molecular consequence: nonsense. On other transcripts: non-coding transcript variant (1).
Genome position (GRCh38, 1-based): chr5:90,642,672, T>A. VCF-style: chr5-90642672-T-A. GRCh37 (hg19) VCF-style: chr5-89938489-T-A.
Other names: short protein forms Y759*.
Identifiers: ClinVar variation 865856 (VCV000865856.14), dbSNP rs1185617030, ClinGen allele CA360387273.
Genomic context (GRCh38, chr5:90,642,672, plus strand): 5'-CATTTGTCTCTCTGACTTCTCTAGGGTTAACGTGGAAAACCAAGTGCTGAAATCTGGATA[T>A]ACTAGCCGTGACCTAATTATTTTGGAAAATGATGACCCTGGGGGAGTTTTTGAATTTTCT-3'

ClinVar aggregate classification (germline): Pathogenic/Likely pathogenic. Review status: criteria provided, multiple submitters, no conflicts (2 of 4 stars). 4 submissions from 4 submitters: Pathogenic (2); Likely pathogenic (2). Last evaluated 2026-03-24.

Conditions:
Usher syndrome type 2C. Also called: Usher syndrome, type 2B; USHER SYNDROME, TYPE IIC. Identifiers: Orphanet 231178, Orphanet 886, MedGen C2931213, MONDO:0011558, OMIM 605472.
Febrile seizures, familial, 4 (FEB4). Also called: CONVULSIONS, FAMILIAL FEBRILE, 4. Identifiers: MedGen C1858493, MONDO:0011443, OMIM 604352.
ADGRV1-related disorder. Also called: ADGRV1-related condition; ADGRV1-related disorders.

Allele frequency attached by ClinVar (database versions not stated): TOPMed below 0.00001; gnomAD exomes below 0.00001.
gnomAD v4.1: 2 of 1,613,598 alleles (0.00012%); highest among the groups gnomAD compares: Non-Finnish European, 0.00017%; no homozygotes.

Submissions (4):

GeneDx
Classification: Likely pathogenic. Last evaluated: 2026-03-24. Review status: criteria provided, single submitter. Criteria: GeneDx Variant Classification Process June 2021. Collection method: clinical testing. Allele origin: germline.
Comment: Observed with a second variant in a patient with Usher syndrome in published literature, however, patient level clinical information was not provided (PMID: 26969326); Not observed at significant frequency in large population cohorts (gnomAD); Nonsense variant predicted to result in protein truncation or nonsense mediated decay in a gene for which loss of function is a known mechanism of disease; This variant is associated with the following publications: (PMID: 26969326)

Labcorp Genetics (formerly Invitae), Labcorp
Classification: Pathogenic. Last evaluated: 2025-09-09. Review status: criteria provided, single submitter. Criteria: Invitae Variant Classification Sherloc (09022015). Collection method: clinical testing. Allele origin: germline.
Comment: This sequence change creates a premature translational stop signal (p.Tyr759*) in the ADGRV1 gene. It is expected to result in an absent or disrupted protein product. Loss-of-function variants in ADGRV1 are known to be pathogenic (PMID: 19357117, 22135276, 22147658, 26226137, 30718709, 31047384, 32467589). This variant is present in population databases (no rsID available, gnomAD 0.0009%). This premature translational stop signal has been observed in individual(s) with Usher syndrome (PMID: 26969326). ClinVar contains an entry for this variant (Variation ID: 865856). For these reasons, this variant has been classified as Pathogenic.

Fulgent Genetics
Classification: Pathogenic for Febrile seizures, familial, 4; Usher syndrome type 2C. Last evaluated: 2024-01-19. Review status: criteria provided, single submitter. Criteria: ACMG Guidelines, 2015. Collection method: clinical testing. Allele origin: germline.

Blueprint Genetics
Classification: Likely pathogenic for ADGRV1-related disorders. Last evaluated: 2019-01-21. Review status: criteria provided, single submitter. Criteria: ACMG Guidelines, 2015. Collection method: clinical testing. Allele origin: germline. Affected: yes. Observed: 1 variant allele.

Literature cited by the submitters: PubMed 19357117 (cited by Labcorp Genetics (formerly Invitae), Labcorp); PubMed 22135276 (cited by Labcorp Genetics (formerly Invitae), Labcorp); PubMed 22147658 (cited by Labcorp Genetics (formerly Invitae), Labcorp); PubMed 26226137 (cited by Labcorp Genetics (formerly Invitae), Labcorp); PubMed 30718709 (cited by Labcorp Genetics (formerly Invitae), Labcorp); PubMed 31047384 (cited by Labcorp Genetics (formerly Invitae), Labcorp); PubMed 32467589 (cited by Labcorp Genetics (formerly Invitae), Labcorp); PubMed 26969326 (cited by Labcorp Genetics (formerly Invitae), Labcorp).